The following is an entry in ClinVar:

NM_001040108.2(MLH3):c.3963T>C (p.Ser1321=)

Gene: MLH3 (mutL homolog 3; minus strand). Cytogenetic location: 14q24.3.
Variant type: single nucleotide variant.
Coding change: c.3963T>C on transcript NM_001040108.2 (MANE Select); coding-DNA position 3963, T replaced by C.
Protein change: p.Ser1321=; no amino-acid change (serine 1321 retained).
Molecular consequence: synonymous variant.
Genome position (GRCh38, 1-based): chr14:75,030,567, A>G on the plus strand (T>C on the coding strand, the complement: MLH3 is on the minus strand). VCF-style: chr14-75030567-A-G. GRCh37 (hg19) VCF-style: chr14-75497270-A-G.
Other names: c.3891T>C, p.Ser1297= (NM_014381.3).
Identifiers: ClinVar variation 1736538 (VCV001736538.3), dbSNP rs745633292, ClinGen allele CA7275286.

ClinVar aggregate classification (germline): Benign/Likely benign. Review status: criteria provided, multiple submitters, no conflicts (2 of 4 stars). 2 submissions from 2 submitters: Benign (1); Likely benign (1). Last evaluated 2026-09-14.

Conditions:
Colorectal cancer, hereditary nonpolyposis, type 7. Identifiers: Orphanet 144, MedGen C1858380, MONDO:0013725, OMIM 614385.

Allele frequency attached by ClinVar (database versions not stated): gnomAD exomes below 0.00001; gnomAD 0.00001; TOPMed below 0.00001; ExAC 0.00001.
gnomAD v4.1: 2 of 1,614,034 alleles (0.00012%); highest among the groups gnomAD compares: Non-Finnish European, 0.00017%; no homozygotes.

Submissions (2):

Myriad Genetics, Inc.
Classification: Benign for Colorectal cancer, hereditary nonpolyposis, type 7. Last evaluated: 2026-09-14. Review status: criteria provided, single submitter. Criteria: Myriad Autosomal Dominant, Autosomal Recessive and X-Linked Classification Criteria (2023). Collection method: clinical testing. Allele origin: unknown.
Comment: This variant is considered benign. This variant is a silent/synonymous amino acid change and it is not expected to impact splicing.

Ambry Genetics
Classification: Likely benign. Last evaluated: 2020-09-26. Review status: criteria provided, single submitter. Criteria: Ambry Variant Classification Scheme 2023. Collection method: clinical testing. Allele origin: germline.